The following is an entry in ClinVar:

ClinVar aggregate classification (germline): Uncertain significance (1 of 4 stars; one submission).

Conditions:
5-Oxoprolinase deficiency (OPLAHD). Also called: 5-OXOPROLINURIA DUE TO 5-OXOPROLINASE DEFICIENCY. Identifiers: Orphanet 33572, MedGen C0268525, MONDO:0009825, OMIM 260005, HP:0040142.

Allele frequency attached by ClinVar (database versions not stated): gnomAD 0.00001; gnomAD exomes 0.00001; TOPMed 0.00002; ExAC 0.00006.
gnomAD v4.1: 13 of 1,589,392 alleles (0.00082%); highest among the groups gnomAD compares: South Asian, 0.0057%; no homozygotes.

Submission:

Labcorp Genetics (formerly Invitae), Labcorp
Classification: Uncertain significance for 5-Oxoprolinase deficiency. Last evaluated: 2022-11-08. Review status: criteria provided, single submitter. Criteria: Invitae Variant Classification Sherloc (09022015). Collection method: clinical testing. Allele origin: germline.
Comment: In summary, the available evidence is currently insufficient to determine the role of this variant in disease. Therefore, it has been classified as a Variant of Uncertain Significance. Experimental studies and prediction algorithms are not available or were not evaluated, and the functional significance of this variant is currently unknown. This variant has not been reported in the literature in individuals affected with OPLAH-related conditions. The frequency data for this variant in the population databases is considered unreliable, as metrics indicate poor data quality at this position in the gnomAD database. This sequence change replaces arginine, which is basic and polar, with cysteine, which is neutral and slightly polar, at codon 139 of the OPLAH protein (p.Arg139Cys).

NM_017570.5(OPLAH):c.415C>T (p.Arg139Cys)

Gene: OPLAH (5-oxoprolinase, ATP-hydrolysing; minus strand). Cytogenetic location: 8q24.3.
Variant type: single nucleotide variant.
Coding change: c.415C>T on transcript NM_017570.5 (MANE Select); coding-DNA position 415, C replaced by T.
Protein change: p.Arg139Cys; replaces arginine 139 with cysteine.
Molecular consequence: missense variant.
Genome position (GRCh38, 1-based): chr8:144,059,028, G>A on the plus strand (C>T on the coding strand, the complement: OPLAH is on the minus strand). VCF-style: chr8-144059028-G-A. GRCh37 (hg19) VCF-style: chr8-145113931-G-A.
Other names: short protein forms R139C.
Identifiers: ClinVar variation 1950719 (VCV001950719.5), dbSNP rs782310069, ClinGen allele CA4932301.